The following is an entry in ClinVar:

NM_001276345.2(TNNT2):c.810+41C>G

Gene: TNNT2 (troponin T2, cardiac type; minus strand). Cytogenetic location: 1q32.1.
Variant type: single nucleotide variant.
Coding change: c.810+41C>G on transcript NM_001276345.2 (MANE Select); 41 bases into the intron after coding-DNA position 810, C replaced by G.
Molecular consequence: intron variant.
Genome position (GRCh38, 1-based): chr1:201,361,238, G>C on the plus strand (C>G on the coding strand, the complement: TNNT2 is on the minus strand). VCF-style: chr1-201361238-G-C. GRCh37 (hg19) VCF-style: chr1-201330366-G-C.
Other names: c.762+41C>G (NM_001001432.3); c.771+41C>G (NM_001001431.3); c.780+41C>G (NM_001001430.3, NM_001276347.2); c.681+41C>G (NM_001276346.2); c.801+41C>G (NM_000364.4).
Identifiers: ClinVar variation 188689 (VCV000188689.3), dbSNP rs2275862, ClinGen allele CA005113.

ClinVar aggregate classification (germline): Benign. Review status: criteria provided, multiple submitters, no conflicts (2 of 4 stars). 3 submissions from 3 submitters: Benign (3). Last evaluated 2025-04-09.

Allele frequency attached by ClinVar (database versions not stated): ESP Exome Variant Server 0.01099; gnomAD 0.02160; ExAC 0.02234; gnomAD exomes 0.02321; TOPMed 0.02581; 1000 Genomes Project 30x 0.05590; 1000 Genomes Project 0.05791.
gnomAD v4.1: 15,426 of 1,587,952 alleles (0.97%); highest among the groups gnomAD compares: East Asian, 17%; 791 homozygotes.

Submissions (3):

Molecular Diagnostic Laboratory for Inherited Cardiovascular Disease, Montreal Heart Institute
Classification: Benign. Last evaluated: 2025-04-09. Review status: criteria provided, single submitter. Criteria: ACMG Guidelines, 2015. Collection method: clinical testing. Allele origin: germline. Affected: no.

GeneDx
Classification: Benign. Last evaluated: 2018-06-16. Review status: criteria provided, single submitter. Criteria: GeneDx Variant Classification (06012015). Collection method: clinical testing. Allele origin: germline. Affected: yes.
Comment: This variant is considered likely benign or benign based on one or more of the following criteria: it is a conservative change, it occurs at a poorly conserved position in the protein, it is predicted to be benign by multiple in silico algorithms, and/or has population frequency not consistent with disease.

Breakthrough Genomics
Classification: Benign. Review status: criteria provided, single submitter. Criteria: ACMG Guidelines, 2015. Collection method: not provided. Allele origin: germline. Inheritance: Autosomal dominant inheritance. Affected: yes.